The following is an entry in ClinVar:

NM_198129.4(LAMA3):c.2163C>A (p.Tyr721Ter)

Gene: LAMA3 (laminin subunit alpha 3; plus strand). Cytogenetic location: 18q11.2.
Variant type: single nucleotide variant.
Coding change: c.2163C>A on transcript NM_198129.4 (MANE Select); coding-DNA position 2163, C replaced by A.
Protein change: p.Tyr721Ter; replaces tyrosine 721 with a stop codon.
Molecular consequence: nonsense.
Genome position (GRCh38, 1-based): chr18:23,819,856, C>A. VCF-style: chr18-23819856-C-A. GRCh37 (hg19) VCF-style: chr18-21399820-C-A.
Other names: c.2163C>A, p.Tyr721Ter (NM_001127717.4); short protein forms Y721*.
Identifiers: ClinVar variation 4987717 (VCV004987717.1).
Genomic context (GRCh38, chr18:23,819,856, plus strand): 5'-TATGGACCTAACCTCCTGTATGTGTTTACTTTTTAATTATGAAAGGCCTGAAAACAACTA[C>A]TATTTCCCAGATTTGCATCATATGAAGTATGAGATTGAAGACGGCAGCACACCTAATGGG-3'

ClinVar aggregate classification (germline): Uncertain significance (1 of 4 stars; one submission).

Conditions:
LAMA3-related disorder. Also called: LAMA3-related disorders; LAMA3-related condition.

gnomAD v4.1: 1 of 1,614,100 alleles (0.000062%); highest among the groups gnomAD compares: Middle Eastern, 0.016%; no homozygotes.

Submission:

PreventionGenetics, part of Exact Sciences
Classification: Uncertain significance for LAMA3-related condition. Last evaluated: 2026-04-23. Review status: criteria provided, single submitter. Criteria: ACMG Guidelines, 2015. Collection method: clinical testing. Allele origin: germline.
Comment: The LAMA3 c.2163C>A variant is predicted to result in premature protein termination (p.Tyr721*). This variant corresponds to a pre-coding position in an alternate transcript for this gene (NM_000227: c.-53189C>A). To our knowledge, this variant has not been reported in the literature or in a large population database (gnomAD), indicating this variant is rare. At this time, the clinical significance of this variant is uncertain due to the absence of conclusive functional and genetic evidence.